The following is an entry in ClinVar:

NM_000512.5(GALNS):c.512A>C (p.Asp171Ala)

Gene: GALNS (galactosamine (N-acetyl)-6-sulfatase; minus strand). Cytogenetic location: 16q24.3.
Variant type: single nucleotide variant.
Coding change: c.512A>C on transcript NM_000512.5 (MANE Select); coding-DNA position 512, A replaced by C.
Protein change: p.Asp171Ala; replaces aspartic acid 171 with alanine.
Molecular consequence: missense variant. On other transcripts: 5 prime UTR variant (1).
Genome position (GRCh38, 1-based): chr16:88,837,676, T>G on the plus strand (A>C on the coding strand, the complement: GALNS is on the minus strand). VCF-style: chr16-88837676-T-G. GRCh37 (hg19) VCF-style: chr16-88904084-T-G.
Other names: c.-44A>C (NM_001323543.2); c.530A>C, p.Asp177Ala (NM_001323544.2); short protein forms D171A, D177A.
Identifiers: ClinVar variation 1048283 (VCV001048283.3), dbSNP rs2143002367, ClinGen allele CA397082829.

ClinVar aggregate classification (germline): Uncertain significance (1 of 4 stars; one submission).

Conditions:
Mucopolysaccharidosis, MPS-IV-A (MPS4A). Also called: Mucopolysaccharidosis type IV A; Mucopolysaccharidosis Type IVA; Morquio syndrome A, mild; MORQUIO SYNDROME A; MPS IVA; mucopolysaccharidosis type 4A. Identifiers: Orphanet 309297, Orphanet 582, MedGen C0086651, MONDO:0009659, OMIM 253000.

Submission:

Laboratory of Diagnosis and Therapy of Lysosomal Disorders, University of Padova
Classification: Uncertain significance for Mucopolysaccharidosis, MPS-IV-A. Last evaluated: 2021-02-01. Review status: criteria provided, single submitter. Criteria: ACMG Guidelines, 2015. Collection method: curation. Allele origin: germline. Affected: yes.
Comment: Absent from gnomAD v2.1.1 (PM2_moderate); multiple lines of computational evidence support a deleterious effect on the gene (PP3_supporting)

Literature cited by the submitters: PubMed 10814710; PubMed 16287098; PubMed 31200731; PubMed 34387910.